The following is an entry in ClinVar:

ClinVar aggregate classification (germline): Uncertain significance (1 of 4 stars; one submission).

gnomAD v4.1: 13 of 1,587,110 alleles (0.00082%); highest among the groups gnomAD compares: African/African-American, 0.0027%; no homozygotes.

Submission:

Labcorp Genetics (formerly Invitae), Labcorp
Classification: Uncertain significance. Last evaluated: 2025-12-22. Review status: criteria provided, single submitter. Criteria: Invitae Variant Classification Sherloc (09022015). Collection method: clinical testing. Allele origin: germline.
Comment: This sequence change replaces serine, which is neutral and polar, with cysteine, which is neutral and slightly polar, at codon 8 of the C3 protein (p.Ser8Cys). The frequency data for this variant in the population databases is considered unreliable, as metrics indicate poor data quality at this position in the gnomAD database. This variant has not been reported in the literature in individuals affected with C3-related conditions. ClinVar contains an entry for this variant (Variation ID: 3630843). Experimental studies and prediction algorithms are not available or were not evaluated, and the functional significance of this variant is currently unknown. In summary, the available evidence is currently insufficient to determine the role of this variant in disease. Therefore, it has been classified as a Variant of Uncertain Significance.

NM_000064.4(C3):c.22A>T (p.Ser8Cys)

Gene: C3 (complement C3; minus strand). Cytogenetic location: 19p13.3.
Variant type: single nucleotide variant.
Coding change: c.22A>T on transcript NM_000064.4 (MANE Select); coding-DNA position 22, A replaced by T.
Protein change: p.Ser8Cys; replaces serine 8 with cysteine.
Molecular consequence: missense variant.
Genome position (GRCh38, 1-based): chr19:6,720,568, T>A on the plus strand (A>T on the coding strand, the complement: C3 is on the minus strand). VCF-style: chr19-6720568-T-A. GRCh37 (hg19) VCF-style: chr19-6720579-T-A.
Other names: short protein forms S8C.
Identifiers: ClinVar variation 3630843 (VCV003630843.2).